The following is an entry in ClinVar:

NM_000077.5(CDKN2A):c.325G>A (p.Ala109Thr)

Gene: CDKN2A (cyclin dependent kinase inhibitor 2A; minus strand). Cytogenetic location: 9p21.3.
Variant type: single nucleotide variant.
Coding change: c.325G>A on transcript NM_000077.5; coding-DNA position 325, G replaced by A.
Protein change: p.Ala109Thr; replaces alanine 109 with threonine.
Molecular consequence: missense variant (on NM_000077.6). On other transcripts: 3 prime UTR variant (1).
Genome position (GRCh38, 1-based): chr9:21,971,034, C>T on the plus strand (G>A on the coding strand, the complement: CDKN2A is on the minus strand). VCF-style: chr9-21971034-C-T. GRCh37 (hg19) VCF-style: chr9-21971033-C-T.
Other names: c.325G>A, p.Ala109Thr (NM_000077.6, NM_001195132.2); c.172G>A, p.Ala58Thr (NM_001363763.2); c.368G>A, p.Cys123Tyr (NM_058195.4); c.*248G>A (NM_058197.5); short protein forms A109T, A58T, C123Y.
Identifiers: ClinVar variation 4224784 (VCV004224784.1).
Genomic context (GRCh38, chr9:21,971,034, plus strand): 5'-ACCGTGCGACATCGCGATGGCCCAGCTCCTCAGCCAGGTCCACGGGCAGACGGCCCCAGG[C>T]ATCGCGCACGTCCAGCCGCGCCCCGGCCCGGTGCAGCACCACCAGCGTGTCCAGGAAGCC-3'
Protein context (NP_000068.1, residues 99-119): RAGARLDVRD[Ala109Thr]WGRLPVDLAE

ClinVar aggregate classification (germline): Uncertain significance (1 of 4 stars; one submission).

Conditions:
Hereditary cancer-predisposing syndrome. Also called: Neoplastic Syndromes, Hereditary; Tumor predisposition; Hereditary neoplastic syndrome; Hereditary Cancer Syndrome. Identifiers: Orphanet 140162, MedGen C0027672, MeSH D009386, MONDO:0015356.

Submission:

Ambry Genetics
Classification: Uncertain significance for Hereditary cancer-predisposing syndrome. Last evaluated: 2025-08-18. Review status: criteria provided, single submitter. Criteria: Ambry Variant Classification Scheme 2023. Collection method: clinical testing. Allele origin: germline.
Comment: The p.A109T variant (also known as c.325G>A), located in coding exon 2 of the CDKN2A gene, results from a G to A substitution at nucleotide position 325. The alanine at codon 109 is replaced by threonine, an amino acid with similar properties. This amino acid position is not well conserved in available vertebrate species. In addition, the in silico prediction for this alteration is inconclusive. Based on the available evidence, the clinical significance of this variant remains unclear.